The following is an entry in ClinVar:

NM_006790.3(MYOT):c.1425A>T (p.Gln475His)

Genes: PKD2L2-DT (PKD2L2 divergent transcript; minus strand), MYOT (myotilin; plus strand). Cytogenetic location: 5q31.2.
Variant type: single nucleotide variant.
Coding change: c.1425A>T on transcript NM_006790.3 (MANE Select); coding-DNA position 1425, A replaced by T.
Protein change: p.Gln475His; replaces glutamine 475 with histidine.
Molecular consequence: missense variant.
Genome position (GRCh38, 1-based): chr5:137,887,313, A>T. VCF-style: chr5-137887313-A-T. GRCh37 (hg19) VCF-style: chr5-137223002-A-T.
Other names: c.873A>T, p.Gln291His (NM_001135940.2); c.1080A>T, p.Gln360His (NM_001300911.2); short protein forms Q291H, Q360H, Q475H.
Identifiers: ClinVar variation 3699701 (VCV003699701.2).
Genomic context (GRCh38, chr5:137,887,313, plus strand): 5'-GGTTCGACCAACATTCAGCAAATATTTAGCACTTAATGGGAAAGGTTTGAATGTAAAACA[A>T]GCTTTTAACCCAGAAGGAGAATTTCAGCGTTTGGCAGCTCAATCTGGACTCTATGAAAGT-3'
Protein context (NP_006781.1, residues 465-485): ALNGKGLNVK[Gln475His]AFNPEGEFQR

ClinVar aggregate classification (germline): Uncertain significance (1 of 4 stars; one submission).

Conditions:
Myofibrillar myopathy 3 (MFM3). Also called: Autosomal dominant spheroid body myopathy; Muscular dystrophy, proximal, type 1A. Identifiers: Orphanet 266, Orphanet 268129, MedGen C3714934, MONDO:0012215, OMIM 609200.

Submission:

Labcorp Genetics (formerly Invitae), Labcorp
Classification: Uncertain significance for Myofibrillar myopathy 3. Last evaluated: 2024-02-08. Review status: criteria provided, single submitter. Criteria: Invitae Variant Classification Sherloc (09022015). Collection method: clinical testing. Allele origin: germline.
Comment: This sequence change replaces glutamine, which is neutral and polar, with histidine, which is basic and polar, at codon 475 of the MYOT protein (p.Gln475His). This variant is not present in population databases (gnomAD no frequency). This variant has not been reported in the literature in individuals affected with MYOT-related conditions. An algorithm developed to predict the effect of missense changes on protein structure and function (PolyPhen-2) suggests that this variant is likely to be disruptive. In summary, the available evidence is currently insufficient to determine the role of this variant in disease. Therefore, it has been classified as a Variant of Uncertain Significance.